The following is an entry in ClinVar:

ClinVar aggregate classification (germline): Uncertain significance. Review status: criteria provided, multiple submitters, no conflicts (2 of 4 stars). 2 submissions from 2 submitters: Uncertain significance (2). Last evaluated 2022-10-28.

Submissions (2):

Blueprint Genetics
Classification: Uncertain significance. Last evaluated: 2022-10-28. Review status: criteria provided, single submitter. Criteria: ACMG Guidelines, 2015. Collection method: clinical testing. Allele origin: germline.

Labcorp Genetics (formerly Invitae), Labcorp
Classification: Uncertain significance. Last evaluated: 2022-03-04. Review status: criteria provided, single submitter. Criteria: Invitae Variant Classification Sherloc (09022015). Collection method: clinical testing. Allele origin: germline.
Comment: This sequence change results in a frameshift in the DNA2 gene (p.Leu1054Trpfs*52). While this is not anticipated to result in nonsense mediated decay, it is expected to disrupt the last 7 amino acid(s) of the DNA2 protein and extend the protein by 44 additional amino acid residues. Experimental studies and prediction algorithms are not available or were not evaluated, and the functional significance of this variant is currently unknown. This variant has not been reported in the literature in individuals affected with DNA2-related conditions. This variant is not present in population databases (gnomAD no frequency). In summary, the available evidence is currently insufficient to determine the role of this variant in disease. Therefore, it has been classified as a Variant of Uncertain Significance.

NM_001080449.3(DNA2):c.3161del (p.Leu1054fs)

Genes: DNA2 (DNA replication helicase/nuclease 2; minus strand), LOC132089842 (Neanderthal introgressed variant-containing enhancer experimental_16635; plus strand). Cytogenetic location: 10q21.3.
Variant type: Deletion.
Coding change: c.3161del on transcript NM_001080449.3 (MANE Select); coding-DNA position 3161, one base deleted (T; older notation c.3161delT).
Protein change: p.Leu1054fs; shifts the reading frame from leucine 1054.
Molecular consequence: frameshift variant. On other transcripts: non-coding transcript variant (1).
Genome position (GRCh38, 1-based): chr10:68,415,061, A deleted on the plus strand (T on the coding strand, the reverse complement: DNA2 is on the minus strand); the first of 2 consecutive A bases (chr10:68,415,061-68,415,062); deleting either gives the same sequence. VCF-style (leftmost placement, unchanged base first): chr10-68415060-CA-C. GRCh37 (hg19) VCF-style: chr10-70174817-CA-C.
Other names: short protein forms L1054fs.
Identifiers: ClinVar variation 2106903 (VCV002106903.5), dbSNP rs1214955982, ClinGen allele CA667832368.